The following is an entry in ClinVar:

ClinVar aggregate classification (germline): Uncertain significance. Review status: criteria provided, multiple submitters, no conflicts (2 of 4 stars). 2 submissions from 2 submitters: Uncertain significance (2). Last evaluated 2025-05-19.

Conditions:
Inborn genetic diseases. Identifiers: MedGen C0950123, MeSH D030342.
Nephronophthisis 16 (NPHP16). Identifiers: Orphanet 655, MedGen C3809320, MONDO:0014158, OMIM 615382.

gnomAD v4.1: 12 of 1,607,896 alleles (0.00075%); highest among the groups gnomAD compares: Non-Finnish European, 0.00094%; no homozygotes.

Submissions (2):

Ambry Genetics
Classification: Uncertain significance for Inborn genetic diseases. Last evaluated: 2025-05-19. Review status: criteria provided, single submitter. Criteria: Ambry Variant Classification Scheme 2023. Collection method: clinical testing. Allele origin: germline.

Labcorp Genetics (formerly Invitae), Labcorp
Classification: Uncertain significance for Nephronophthisis 16. Last evaluated: 2023-08-10. Review status: criteria provided, single submitter. Criteria: Invitae Variant Classification Sherloc (09022015). Collection method: clinical testing. Allele origin: germline.
Comment: In summary, the available evidence is currently insufficient to determine the role of this variant in disease. Therefore, it has been classified as a Variant of Uncertain Significance. An algorithm developed to predict the effect of missense changes on protein structure and function (PolyPhen-2) suggests that this variant¬†is likely to be tolerated. ClinVar contains an entry for this variant (Variation ID: 2160075). This variant has not been reported in the literature in individuals affected with ANKS6-related conditions. This variant is present in population databases (rs760039982, gnomAD 0.004%). This sequence change replaces asparagine, which is neutral and polar, with lysine, which is basic and polar, at codon 250 of the ANKS6 protein (p.Asn250Lys).

NM_173551.5(ANKS6):c.750C>G (p.Asn250Lys)

Gene: ANKS6 (ankyrin repeat and sterile alpha motif domain containing 6; minus strand). Cytogenetic location: 9q22.33.
Variant type: single nucleotide variant.
Coding change: c.750C>G on transcript NM_173551.5 (MANE Select); coding-DNA position 750, C replaced by G.
Protein change: p.Asn250Lys; replaces asparagine 250 with lysine.
Molecular consequence: missense variant.
Genome position (GRCh38, 1-based): chr9:98,790,216, G>C on the plus strand (C>G on the coding strand, the complement: ANKS6 is on the minus strand). VCF-style: chr9-98790216-G-C. GRCh37 (hg19) VCF-style: chr9-101552498-G-C.
Other names: c.750C>G (NM_173551.3); short protein forms N250K.
Identifiers: ClinVar variation 2160075 (VCV002160075.4), dbSNP rs760039982, ClinGen allele CA5153762.